The following is an entry in ClinVar:

ClinVar aggregate classification (germline): Conflicting classifications of pathogenicity. Review status: criteria provided, conflicting classifications (1 of 4 stars). 2 submissions from 2 submitters: Uncertain significance (1); Likely benign (1). Last evaluated 2024-12-20.

Conditions:
Inborn genetic diseases. Identifiers: MedGen C0950123, MeSH D030342.

Allele frequency attached by ClinVar (database versions not stated): gnomAD 0.00001; ExAC 0.00004.
gnomAD v4.1: 30 of 1,614,112 alleles (0.0019%); highest among the groups gnomAD compares: South Asian, 0.011%; no homozygotes.

Submissions (2):

Ambry Genetics
Classification: Likely benign for Inborn genetic diseases. Last evaluated: 2024-12-20. Review status: criteria provided, single submitter. Criteria: Ambry Variant Classification Scheme 2023. Collection method: clinical testing. Allele origin: germline.

Labcorp Genetics (formerly Invitae), Labcorp
Classification: Uncertain significance. Last evaluated: 2024-05-07. Review status: criteria provided, single submitter. Criteria: Invitae Variant Classification Sherloc (09022015). Collection method: clinical testing. Allele origin: germline.
Comment: This sequence change replaces valine, which is neutral and non-polar, with leucine, which is neutral and non-polar, at codon 1396 of the ASXL1 protein (p.Val1396Leu). This variant is present in population databases (rs770488855, gnomAD 0.01%). This variant has not been reported in the literature in individuals affected with ASXL1-related conditions. ClinVar contains an entry for this variant (Variation ID: 2190356). An algorithm developed to predict the effect of missense changes on protein structure and function (PolyPhen-2) suggests that this variant is likely to be tolerated. In summary, the available evidence is currently insufficient to determine the role of this variant in disease. Therefore, it has been classified as a Variant of Uncertain Significance.

NM_015338.6(ASXL1):c.4186G>T (p.Val1396Leu)

Gene: ASXL1 (ASXL transcriptional regulator 1; plus strand). Cytogenetic location: 20q11.21.
Variant type: single nucleotide variant.
Coding change: c.4186G>T on transcript NM_015338.6 (MANE Select); coding-DNA position 4186, G replaced by T.
Protein change: p.Val1396Leu; replaces valine 1396 with leucine.
Molecular consequence: missense variant.
Genome position (GRCh38, 1-based): chr20:32,436,898, G>T. VCF-style: chr20-32436898-G-T. GRCh37 (hg19) VCF-style: chr20-31024701-G-T.
Other names: c.4003G>T, p.Val1335Leu (NM_001363734.1); short protein forms V1335L, V1396L.
Identifiers: ClinVar variation 2190356 (VCV002190356.6), dbSNP rs770488855, ClinGen allele CA9808987.